The following is an entry in ClinVar:

NM_000179.3(MSH6):c.750C>T (p.Val250=)

Gene: MSH6 (mutS homolog 6; plus strand). Cytogenetic location: 2p16.3.
Variant type: single nucleotide variant.
Coding change: c.750C>T on transcript NM_000179.3 (MANE Select); coding-DNA position 750, C replaced by T.
Protein change: p.Val250=; no amino-acid change (valine 250 retained).
Molecular consequence: synonymous variant. On other transcripts: 5 prime UTR variant (2).
Genome position (GRCh38, 1-based): chr2:47,798,733, C>T. VCF-style: chr2-47798733-C-T. GRCh37 (hg19) VCF-style: chr2-48025872-C-T.
Other names: c.360C>T, p.Val120= (NM_001281492.2); c.-157C>T (NM_001281493.2, NM_001281494.2).
Identifiers: ClinVar variation 1128334 (VCV001128334.13), dbSNP rs1572720235, ClinGen allele CA426120718.

ClinVar aggregate classification (germline): Benign/Likely benign. Review status: criteria provided, multiple submitters, no conflicts (2 of 4 stars). 4 submissions from 4 submitters: Benign (1); Likely benign (3). Last evaluated 2024-12-20.

Conditions:
Hereditary cancer-predisposing syndrome. Also called: Hereditary neoplastic syndrome; Hereditary Cancer Syndrome; Tumor predisposition; Neoplastic Syndromes, Hereditary. Identifiers: Orphanet 140162, MedGen C0027672, MeSH D009386, MONDO:0015356.
Lynch syndrome. Identifiers: Orphanet 144, MedGen C4552100, MONDO:0005835. Disease mechanism: loss of function.
Hereditary nonpolyposis colorectal neoplasms. Identifiers: MedGen C0009405, MeSH D003123.
Lynch syndrome 5 (LYNCH5). Also called: Colorectal cancer, hereditary nonpolyposis, type 5; Hereditary non-polyposis colorectal cancer, type 5. Identifiers: Orphanet 144, MedGen C1833477, MONDO:0013710, OMIM 614350. Disease mechanism: loss of function.

Submissions (4):

Myriad Genetics, Inc.
Classification: Benign for Lynch syndrome 5. Last evaluated: 2024-12-20. Review status: criteria provided, single submitter. Criteria: Myriad Autosomal Dominant, Autosomal Recessive and X-Linked Classification Criteria (2023). Collection method: clinical testing. Allele origin: unknown.
Comment: This variant is considered benign. This variant is a silent/synonymous amino acid change and it is not expected to impact splicing.

All of Us Research Program, National Institutes of Health
Classification: Likely benign for Lynch syndrome. Last evaluated: 2024-05-14. Review status: criteria provided, single submitter. Criteria: ACMG Guidelines, 2015. Collection method: clinical testing. Allele origin: germline. Inheritance: Autosomal dominant inheritance. Observed: 1 variant allele, 1 heterozygote.
Comment: This study involves interpretation of variants in research participants for the purpose of population health screening. Participant phenotype was not available at the time of variant classification. Additional details can be found in publication PMID: 35346344, PMCID: PMC8962531

Labcorp Genetics (formerly Invitae), Labcorp
Classification: Likely benign for Hereditary nonpolyposis colorectal neoplasms. Last evaluated: 2022-09-07. Review status: criteria provided, single submitter. Criteria: Invitae Variant Classification Sherloc (09022015). Collection method: clinical testing. Allele origin: germline.

Ambry Genetics
Classification: Likely benign for Hereditary cancer-predisposing syndrome. Last evaluated: 2020-08-27. Review status: criteria provided, single submitter. Criteria: Ambry Variant Classification Scheme 2023. Collection method: clinical testing. Allele origin: germline.